The following is an entry in ClinVar:

NM_024417.5(FDXR):c.1414A>G (p.Thr472Ala)

Gene: FDXR (ferredoxin reductase; minus strand). Cytogenetic location: 17q25.1.
Variant type: single nucleotide variant.
Coding change: c.1414A>G on transcript NM_024417.5 (MANE Select); coding-DNA position 1414, A replaced by G.
Protein change: p.Thr472Ala; replaces threonine 472 with alanine.
Molecular consequence: missense variant. On other transcripts: non-coding transcript variant (1).
Genome position (GRCh38, 1-based): chr17:74,862,879, T>C on the plus strand (A>G on the coding strand, the complement: FDXR is on the minus strand). VCF-style: chr17-74862879-T-C. GRCh37 (hg19) VCF-style: chr17-72859001-T-C.
Other names: p.Thr472Ala; c.1543A>G, p.Thr515Ala (NM_001258012.4); c.1507A>G, p.Thr503Ala (NM_001258013.4); c.1390A>G, p.Thr464Ala (NM_001258014.4); c.1294A>G, p.Thr432Ala (NM_001258015.3); c.1258A>G, p.Thr420Ala (NM_001258016.3); c.1432A>G, p.Thr478Ala (NM_004110.6); c.1414A>G (NM_024417.4); short protein forms T432A, T478A, T515A, T420A, T464A, T472A, T503A.
Identifiers: ClinVar variation 779367 (VCV000779367.39), dbSNP rs35769464, ClinGen allele CA8752827.
Genomic context (GRCh38, chr17:74,862,879, plus strand): 5'-AGTGGCCCAGGAGGCGCAGCATCTCCTGAGGATCCACCAGCTTCTCCCTGGGCTTCCCCG[T>C]GCCCTGGCCCCGGGCCACCTCCTCGGCATCCAGCTTCTCCCAGTCTGAGAAAGAGACTGG-3'
Protein context (NP_077728.3, residues 462-482): DAEEVARGQG[Thr472Ala]GKPREKLVDP

ClinVar aggregate classification (germline): Benign/Likely benign. Review status: criteria provided, multiple submitters, no conflicts (2 of 4 stars). 6 submissions from 6 submitters: Benign (1); Likely benign (4). 1 of the submissions does not count toward it. Last evaluated 2026-09-01.

Conditions:
FDXR-related disorder. Also called: FDXR-related condition; FDXR-related disorders.

Allele frequency attached by ClinVar (database versions not stated): 1000 Genomes Project 0.00220; 1000 Genomes Project 30x 0.00265; TOPMed 0.00421; gnomAD exomes 0.00441 and 0.00572; gnomAD 0.00449 and 0.00458; ExAC 0.00479; ESP Exome Variant Server 0.00492.
gnomAD v4.1: 9,044 of 1,613,208 alleles (0.56%); highest among the groups gnomAD compares: Non-Finnish European, 0.66%; 31 homozygotes.

Submissions (6):

CeGaT Center for Human Genetics Tuebingen
Classification: Likely benign. Last evaluated: 2026-09-01. Review status: criteria provided, single submitter. Criteria: CeGaT Center For Human Genetics Tuebingen Variant Classification Criteria Version 2. Collection method: clinical testing. Allele origin: germline. Affected: yes. Observed: 25 variant alleles.
Comment: FDXR: BP4, BS2

Blueprint Genetics
Classification: Likely benign. Last evaluated: 2024-11-28. Review status: criteria provided, single submitter. Criteria: ACMG Guidelines, 2015. Collection method: clinical testing. Allele origin: germline.

Mayo Clinic Laboratories, Mayo Clinic
Classification: Likely benign. Last evaluated: 2024-10-03. Review status: criteria provided, single submitter. Criteria: ACMG Guidelines, 2015. Collection method: clinical testing. Allele origin: germline. Observed: 4 variant alleles.
Comment: BS1, BP4

Labcorp Genetics (formerly Invitae), Labcorp
Classification: Benign. Last evaluated: 2019-12-31. Review status: criteria provided, single submitter. Criteria: Invitae Variant Classification Sherloc (09022015). Collection method: clinical testing. Allele origin: germline.

Breakthrough Genomics
Classification: Likely benign. Review status: criteria provided, single submitter. Criteria: ACMG Guidelines, 2015. Collection method: not provided. Allele origin: germline. Inheritance: Autosomal recessive inheritance. Affected: yes.

PreventionGenetics, part of Exact Sciences
Classification: Benign for FDXR-related condition. Last evaluated: 2019-08-07. Review status: no assertion criteria provided. Collection method: clinical testing. Allele origin: germline. Not counted in ClinVar's aggregate classification.
Comment: This variant is classified as benign based on ACMG/AMP sequence variant interpretation guidelines (Richards et al. 2015 PMID: 25741868, with internal and published modifications).